The following is an entry in ClinVar:

NM_018136.5(ASPM):c.727C>T (p.Arg243Ter)

Gene: ASPM (assembly factor for spindle microtubules; minus strand). Cytogenetic location: 1q31.3.
Variant type: single nucleotide variant.
Coding change: c.727C>T on transcript NM_018136.5 (MANE Select); coding-DNA position 727, C replaced by T.
Protein change: p.Arg243Ter; replaces arginine 243 with a stop codon.
Molecular consequence: nonsense.
Genome position (GRCh38, 1-based): chr1:197,143,525, G>A on the plus strand (C>T on the coding strand, the complement: ASPM is on the minus strand). VCF-style: chr1-197143525-G-A. GRCh37 (hg19) VCF-style: chr1-197112655-G-A.
Other names: c.727C>T, p.Arg243Ter (NM_001206846.2); short protein forms R243*.
Identifiers: ClinVar variation 1172591 (VCV001172591.21), dbSNP rs1463609963, ClinGen allele CA344019366.

ClinVar aggregate classification (germline): Pathogenic. Review status: criteria provided, multiple submitters, no conflicts (2 of 4 stars). 4 submissions from 4 submitters: Pathogenic (4). Last evaluated 2026-01-12.

Conditions:
Microcephaly. Also called: Microcephaly (disease). Identifiers: MedGen C4551563, MONDO:0001149, HP:0000252.
Multiple congenital anomalies/dysmorphic syndrome-intellectual disability. Identifiers: Orphanet 102283, MedGen C5680372, MONDO:0015159.

Allele frequency attached by ClinVar (database versions not stated): gnomAD exomes below 0.00001; TOPMed below 0.00001; gnomAD 0.00001.

Submissions (4):

Dasa
Classification: Pathogenic. Last evaluated: 2026-01-12. Review status: criteria provided, single submitter. Criteria: DASA Assertion Criteria. Collection method: clinical testing. Allele origin: germline.
Comment: NM_018136.5(ASPM):c.727C>T (p.Arg243*) introduces a premature termination codon predicted to result in loss of normal protein function. Loss-of-function is an established mechanism of disease for this gene. This variant has been observed in affected individuals with related phenotype in a genotype context consistent with recessive disease (PMID: 32677750). This variant has been reported in individuals with related phenotype (PMID: 32677750). The variant is present at low frequency in population datasets. Based on the available data, this variant is classified as pathogenic.

CeGaT Center for Human Genetics Tuebingen
Classification: Pathogenic. Last evaluated: 2024-06-01. Review status: criteria provided, single submitter. Criteria: CeGaT Center For Human Genetics Tuebingen Variant Classification Criteria Version 2. Collection method: clinical testing. Allele origin: germline. Affected: yes. Observed: 1 variant allele.
Comment: ASPM: PVS1, PM2, PS4:Supporting

AURAGEN, Plan France Médecine Génomique
Classification: Pathogenic for Multiple congenital anomalies/dysmorphic syndrome-intellectual disability. Last evaluated: 2021-02-23. Review status: criteria provided, single submitter. Criteria: PFMG2025 (Lancet Reg Health Eur. 2025). Collection method: clinical testing. Allele origin: germline. Affected: yes.

Equipe Genetique des Anomalies du Developpement, Université de Bourgogne
Classification: Pathogenic for Microcephaly. Review status: criteria provided, single submitter. Criteria: ACMG Guidelines, 2015. Collection method: clinical testing. Allele origin: paternal. Affected: yes.

Literature cited by the submitters: PubMed 32677750 (cited by Dasa).